The following is an entry in ClinVar:

NM_004385.5(VCAN):c.2566C>G (p.Leu856Val)

Gene: VCAN (versican; plus strand). Cytogenetic location: 5q14.3.
Variant type: single nucleotide variant.
Coding change: c.2566C>G on transcript NM_004385.5 (MANE Select); coding-DNA position 2566, C replaced by G.
Protein change: p.Leu856Val; replaces leucine 856 with valine.
Molecular consequence: missense variant. On other transcripts: intron variant (2).
Genome position (GRCh38, 1-based): chr5:83,520,872, C>G. VCF-style: chr5-83520872-C-G. GRCh37 (hg19) VCF-style: chr5-82816691-C-G.
Other names: c.2566C>G, p.Leu856Val (NM_001164098.2); c.1042+8476C>G (NM_001164097.2, NM_001126336.3); short protein forms L856V.
Identifiers: ClinVar variation 1311687 (VCV001311687.2), dbSNP rs1746062212, ClinGen allele CA360304208.
Genomic context (GRCh38, chr5:83,520,872, plus strand): 5'-ATGAATGGAAAGGATAAAGACATCCCAAGTTTCACTGAAGATGGAGCAGATGAATTTACT[C>G]TTATTCCAGATAGTACTCAAAAGCAGTTAGAGGAGGTTACTGATGAAGACATAGCAGCCC-3'
Protein context (NP_004376.2, residues 846-866): FTEDGADEFT[Leu856Val]IPDSTQKQLE

ClinVar aggregate classification (germline): Uncertain significance (1 of 4 stars; one submission).

Submission:

GeneDx
Classification: Uncertain significance. Last evaluated: 2020-01-11. Review status: criteria provided, single submitter. Criteria: GeneDx Variant Classification Process June 2021. Collection method: clinical testing. Allele origin: germline. Affected: yes.
Comment: Not observed in large population cohorts (Lek et al., 2016); In silico analysis, which includes protein predictors and evolutionary conservation, supports that this variant does not alter protein structure/function; Has not been previously published as pathogenic or benign to our knowledge